The following is an entry in ClinVar:

NM_182961.4(SYNE1):c.20519A>G (p.Asn6840Ser)

Gene: SYNE1 (spectrin repeat containing nuclear envelope protein 1; minus strand). Cytogenetic location: 6q25.2.
Variant type: single nucleotide variant.
Coding change: c.20519A>G on transcript NM_182961.4 (MANE Select); coding-DNA position 20519, A replaced by G.
Protein change: p.Asn6840Ser; replaces asparagine 6840 with serine.
Molecular consequence: missense variant.
Genome position (GRCh38, 1-based): chr6:152,234,678, T>C on the plus strand (A>G on the coding strand, the complement: SYNE1 is on the minus strand). VCF-style: chr6-152234678-T-C. GRCh37 (hg19) VCF-style: chr6-152555813-T-C.
Other names: c.20306A>G, p.Asn6769Ser (NM_033071.5); short protein forms N6769S, N6840S.
Identifiers: ClinVar variation 2635751 (VCV002635751.12), dbSNP rs2083584931, ClinGen allele CA366119301.
Genomic context (GRCh38, chr6:152,234,678, plus strand): 5'-CAGGCCTAACTTATAGGCCTGAATCAAATGCTTTAGATTCTTAGACTTACCAGGAAAGCA[T>C]TTAGATGATCACGGACCATTTCCAGCTCTTGTGGGACTGTCACAGATTGCTGAGTCCAAA-3'
Protein context (NP_892006.3, residues 6830-6850): QELEMVRDHL[Asn6840Ser]AFLEFSKEVD

ClinVar aggregate classification (germline): Uncertain significance. Review status: criteria provided, multiple submitters, no conflicts (2 of 4 stars). 3 submissions from 3 submitters: Uncertain significance (2). 1 of the submissions does not count toward it. Last evaluated 2025-08-12.

Conditions:
SYNE1-related disorder. Also called: SYNE1-related disorders; SYNE1-related disease; SYNE1-related condition.
Autosomal recessive ataxia, Beauce type. Also called: Spinocerebellar ataxia, autosomal recessive 8; ATAXIA, RECESSIVE, OF BEAUCE; SYNE1-Related Autosomal Recessive Cerebellar Ataxia; SYNE1 Deficiency. Identifiers: Orphanet 88644, MedGen C1853116, MONDO:0012549, OMIM 610743.
Emery-Dreifuss muscular dystrophy 4, autosomal dominant (EDMD4). Also called: EMERY-DREIFUSS MUSCULAR DYSTROPHY 4 WITH VARIABLE FEATURES. Identifiers: Orphanet 261, MedGen C2751807, MONDO:0013071, OMIM 612998.

Allele frequency attached by ClinVar (database versions not stated): gnomAD 0.00001; gnomAD exomes 0.00001; TOPMed 0.00001.
gnomAD v4.1: 6 of 1,614,094 alleles (0.00037%); highest among the groups gnomAD compares: South Asian, 0.0011%; no homozygotes.

Submissions (3):

Labcorp Genetics (formerly Invitae), Labcorp
Classification: Uncertain significance for Emery-Dreifuss muscular dystrophy 4, autosomal dominant; Autosomal recessive ataxia, Beauce type. Last evaluated: 2025-08-12. Review status: criteria provided, single submitter. Criteria: Invitae Variant Classification Sherloc (09022015). Collection method: clinical testing. Allele origin: germline.
Comment: This sequence change replaces asparagine, which is neutral and polar, with serine, which is neutral and polar, at codon 6769 of the SYNE1 protein (p.Asn6769Ser). This variant is not present in population databases (gnomAD no frequency). This variant has not been reported in the literature in individuals affected with SYNE1-related conditions. ClinVar contains an entry for this variant (Variation ID: 2635751). An algorithm developed to predict the effect of missense changes on protein structure and function outputs the following: PolyPhen-2: "Benign". The serine amino acid residue is found in multiple mammalian species, which suggests that this missense change does not adversely affect protein function. In summary, the available evidence is currently insufficient to determine the role of this variant in disease. Therefore, it has been classified as a Variant of Uncertain Significance.

CeGaT Center for Human Genetics Tuebingen
Classification: Uncertain significance. Last evaluated: 2025-06-01. Review status: criteria provided, single submitter. Criteria: CeGaT Center For Human Genetics Tuebingen Variant Classification Criteria Version 2. Collection method: clinical testing. Allele origin: germline. Affected: yes. Observed: 1 variant allele.
Comment: SYNE1: PM2, BP4

PreventionGenetics, part of Exact Sciences
Classification: Uncertain significance for SYNE1-related condition. Last evaluated: 2023-11-30. Review status: no assertion criteria provided. Collection method: clinical testing. Allele origin: germline. Not counted in ClinVar's aggregate classification.
Comment: The SYNE1 c.20306A>G variant is predicted to result in the amino acid substitution p.Asn6769Ser. To our knowledge, this variant has not been reported in the literature or in a large population database, indicating this variant is rare. At this time, the clinical significance of this variant is uncertain due to the absence of conclusive functional and genetic evidence.